The following is an entry in ClinVar:

NM_001844.5(COL2A1):c.1299_1302del (p.Phe433fs)

Gene: COL2A1 (collagen type II alpha 1 chain; minus strand). Cytogenetic location: 12q13.11.
Variant type: Deletion.
Coding change: c.1299_1302del on transcript NM_001844.5 (MANE Select); coding-DNA positions 1299 to 1302, 4 bases deleted (CCCT; older notation c.1299_1302delCCCT).
Protein change: p.Phe433fs; shifts the reading frame from phenylalanine 433.
Molecular consequence: frameshift variant.
Genome position (GRCh38, 1-based): chr12:47,987,141-47,987,144, AGGG deleted on the plus strand (CCCT on the coding strand, the reverse complement: COL2A1 is on the minus strand); deleting any 4 consecutive bases within chr12:47,987,141-47,987,145 gives the same sequence; the c. name uses the placement nearest the transcript's 3' end. VCF-style (leftmost placement, unchanged base first): chr12-47987140-CAGGG-C. GRCh37 (hg19) VCF-style: chr12-48380923-CAGGG-C.
Other names: c.1092_1095del, p.Phe364fs (NM_033150.3); short protein forms F364fs, F433fs.
Identifiers: ClinVar variation 504358 (VCV000504358.2), dbSNP rs1555167439, ClinGen allele CA658797890.

ClinVar aggregate classification (germline): Pathogenic (1 of 4 stars; one submission).

Submission:

GeneDx
Classification: Pathogenic. Last evaluated: 2018-12-19. Review status: criteria provided, single submitter. Criteria: GeneDx Variant Classification (06012015). Collection method: clinical testing. Allele origin: germline. Affected: yes.
Comment: Although the c.1299_1302delCCCT pathogenic variant in the COL2A1 gene has not been reported to our knowledge, this variant causes a shift in reading frame starting at codon Phenylalanine 433, changing it to a Leucine, and creating a premature stop codon at position 195 of the new reading frame, denoted p.Phe433LeufsX195. This pathogenic variant is expected to result in either an abnormal, truncated protein product or loss of protein from this allele through nonsense-mediated mRNA decay. Other frameshift variants in the COL2A1 gene have been reported in Human Gene Mutation Database in association with COL2A1-related disorders (Stenson et al., 2014), indicating that loss of function is a mechanism of disease for this gene. Furthermore, the c.1299_1302delCCCT variant has not been observed in large population cohorts (Lek et al., 2016).In summary, c.1299_1302delCCCT in the COL2A1 gene is interpreted as a pathogenic variant.